The following is an entry in ClinVar:

NM_001308093.3(GATA4):c.1039G>T (p.Ala347Ser)

Gene: GATA4 (GATA binding protein 4). Cytogenetic location: 8p23.1.
Variant type: single nucleotide variant.
Coding change: c.1039G>T on transcript NM_001308093.3 (MANE Select); coding-DNA position 1039, G replaced by T.
Protein change: p.Ala347Ser; replaces alanine 347 with serine.
Molecular consequence: missense variant.
Genome position (GRCh38, 1-based): chr8:11,756,973, G>T. VCF-style: chr8-11756973-G-T. GRCh37 (hg19) VCF-style: chr8-11614482-G-T.
Other names: c.418G>T, p.Ala140Ser (NM_001308094.2, NM_001374273.1); c.292G>T, p.Ala98Ser (NM_001374274.1); c.1036G>T, p.Ala346Ser (NM_002052.5); short protein forms A98S, A140S, A346S, A347S.
Identifiers: ClinVar variation 4262169 (VCV004262169.1).

ClinVar aggregate classification (germline): Uncertain significance (1 of 4 stars; one submission).

Conditions:
Cardiovascular phenotype. Identifiers: MedGen CN230736.

Submission:

Ambry Genetics
Classification: Uncertain significance for Cardiovascular phenotype. Last evaluated: 2025-07-09. Review status: criteria provided, single submitter. Criteria: Ambry Variant Classification Scheme 2023. Collection method: clinical testing. Allele origin: germline.
Comment: The p.A346S variant (also known as c.1036G>T), located in coding exon 5 of the GATA4 gene, results from a G to T substitution at nucleotide position 1036. The alanine at codon 346 is replaced by serine, an amino acid with similar properties. This amino acid position is conserved. In addition, the in silico prediction for this alteration is inconclusive. Based on the available evidence, the clinical significance of this variant remains unclear.